The following is an entry in ClinVar:

NM_016343.4(CENPF):c.3852C>G (p.Asn1284Lys)

Gene: CENPF (centromere protein F; plus strand). Cytogenetic location: 1q41.
Variant type: single nucleotide variant.
Coding change: c.3852C>G on transcript NM_016343.4 (MANE Select); coding-DNA position 3852, C replaced by G.
Protein change: p.Asn1284Lys; replaces asparagine 1284 with lysine.
Molecular consequence: missense variant.
Genome position (GRCh38, 1-based): chr1:214,642,190, C>G. VCF-style: chr1-214642190-C-G. GRCh37 (hg19) VCF-style: chr1-214815533-C-G.
Other names: short protein forms N1284K.
Identifiers: ClinVar variation 1701001 (VCV001701001.2), dbSNP rs773607844, ClinGen allele CA1390484.
Genomic context (GRCh38, chr1:214,642,190, plus strand): 5'-TGAAATAGATGCGGAAGAAAAGTATATTTCAGGGCCTCATGAGTTGTCAACAAGTCAAAA[C>G]GACAATGCACACCTTCAGTGCTCTCTGCAAACAACAATGAACAAGCTGAATGAGCTAGAG-3'
Protein context (NP_057427.3, residues 1274-1294): SGPHELSTSQ[Asn1284Lys]DNAHLQCSLQ

ClinVar aggregate classification (germline): Uncertain significance (1 of 4 stars; one submission).

Allele frequency attached by ClinVar (database versions not stated): ExAC 0.00002.
gnomAD v4.1: 14 of 1,614,102 alleles (0.00087%); highest among the groups gnomAD compares: South Asian, 0.015%; no homozygotes.

Submission:

GeneDx
Classification: Uncertain significance. Last evaluated: 2022-02-10. Review status: criteria provided, single submitter. Criteria: GeneDx Variant Classification Process June 2021. Collection method: clinical testing. Allele origin: germline. Affected: yes.
Comment: Not observed at significant frequency in large population cohorts (gnomAD); In silico analysis supports that this missense variant does not alter protein structure/function; Has not been previously published as pathogenic or benign to our knowledge